The following is an entry in ClinVar:

NM_000478.6(ALPL):c.626T>C (p.Met209Thr)

Gene: ALPL (alkaline phosphatase, biomineralization associated; plus strand). Cytogenetic location: 1p36.12.
Variant type: single nucleotide variant.
Coding change: c.626T>C on transcript NM_000478.6 (MANE Select); coding-DNA position 626, T replaced by C.
Protein change: p.Met209Thr; replaces methionine 209 with threonine.
Molecular consequence: missense variant.
Genome position (GRCh38, 1-based): chr1:21,564,194, T>C. VCF-style: chr1-21564194-T-C. GRCh37 (hg19) VCF-style: chr1-21890687-T-C.
Other names: c.461T>C, p.Met154Thr (NM_001127501.4); c.395T>C, p.Met132Thr (NM_001177520.3); c.626T>C, p.Met209Thr (NM_001369803.2, NM_001369804.2, NM_001369805.2); short protein forms M132T, M154T, M209T.
Identifiers: ClinVar variation 3600933 (VCV003600933.1).

ClinVar aggregate classification (germline): Uncertain significance (1 of 4 stars; one submission).

gnomAD v4.1: 2 of 1,613,918 alleles (0.00012%); highest among the groups gnomAD compares: Non-Finnish European, 0.00017%; no homozygotes.

Submission:

GeneDx
Classification: Uncertain significance. Last evaluated: 2024-07-24. Review status: criteria provided, single submitter. Criteria: GeneDx Variant Classification Process June 2021. Collection method: clinical testing. Allele origin: germline. Affected: yes.
Comment: Not observed at significant frequency in large population cohorts (gnomAD); In silico analysis indicates that this missense variant does not alter protein structure/function; Has not been previously published as pathogenic or benign to our knowledge